The following is an entry in ClinVar:

ClinVar aggregate classification (germline): Likely benign (1 of 4 stars; one submission).

gnomAD v4.1: 27 of 1,598,022 alleles (0.0017%); highest among the groups gnomAD compares: East Asian, 0.014%; no homozygotes.

Submission:

CeGaT Center for Human Genetics Tuebingen
Classification: Likely benign. Last evaluated: 2026-05-01. Review status: criteria provided, single submitter. Criteria: CeGaT Center For Human Genetics Tuebingen Variant Classification Criteria Version 2. Collection method: clinical testing. Allele origin: germline. Affected: yes. Observed: 1 variant allele.
Comment: PRR12: BP4, BP7

NM_020719.3(PRR12):c.2034C>T (p.Gly678=)

Gene: PRR12 (proline rich 12; plus strand). Cytogenetic location: 19q13.33.
Variant type: single nucleotide variant.
Coding change: c.2034C>T on transcript NM_020719.3 (MANE Select); coding-DNA position 2034, C replaced by T.
Protein change: p.Gly678=; no amino-acid change (glycine 678 retained).
Molecular consequence: synonymous variant.
Genome position (GRCh38, 1-based): chr19:49,596,369, C>T. VCF-style: chr19-49596369-C-T. GRCh37 (hg19) VCF-style: chr19-50099626-C-T.
Identifiers: ClinVar variation 4873700 (VCV004873700.2).